The following is an entry in ClinVar:

ClinVar aggregate classification (germline): Conflicting classifications of pathogenicity. Review status: criteria provided, conflicting classifications (1 of 4 stars). 7 submissions from 7 submitters: Uncertain significance (1); Benign (2); Likely benign (3). 1 of the submissions does not count toward it. Last evaluated 2026-01-31.

Conditions:
Hereditary sensory and autonomic neuropathy. Identifiers: Orphanet 140471, MedGen C0027889, MONDO:0015364.
Familial dysautonomia. Also called: HSAN III; FD. Identifiers: Orphanet 1764, MedGen C0013364, MONDO:0009131, OMIM 223900. Disease mechanism: loss of function.
ELP1-related disorder. Also called: ELP1-related condition.

Allele frequency attached by ClinVar (database versions not stated): ESP Exome Variant Server 0.00261; TOPMed 0.00311; 1000 Genomes Project 0.00479; 1000 Genomes Project 30x 0.00500.
gnomAD v4.1: 1,398 of 1,613,894 alleles (0.087%); highest among the groups gnomAD compares: East Asian, 1.3%; 9 homozygotes.

Submissions (7):

Labcorp Genetics (formerly Invitae), Labcorp
Classification: Benign. Last evaluated: 2026-01-31. Review status: criteria provided, single submitter. Criteria: Invitae Variant Classification Sherloc (09022015). Collection method: clinical testing. Allele origin: germline.

CeGaT Center for Human Genetics Tuebingen
Classification: Likely benign. Last evaluated: 2025-08-01. Review status: criteria provided, single submitter. Criteria: CeGaT Center For Human Genetics Tuebingen Variant Classification Criteria Version 2. Collection method: clinical testing. Allele origin: germline. Affected: yes. Observed: 2 variant alleles.
Comment: ELP1: BP4, BS1

PreventionGenetics, part of Exact Sciences
Classification: Benign for ELP1-related condition. Last evaluated: 2025-07-15. Review status: criteria provided, single submitter. Criteria: ACMG Guidelines, 2015. Collection method: clinical testing. Allele origin: germline.
Comment: This variant is classified as benign based on ACMG/AMP sequence variant interpretation guidelines (Richards et al. 2015 PMID: 25741868, with internal and published modifications).

Blueprint Genetics
Classification: Likely benign. Last evaluated: 2024-11-27. Review status: criteria provided, single submitter. Criteria: ACMG Guidelines, 2015. Collection method: clinical testing. Allele origin: germline.

GeneDx
Classification: Likely benign. Last evaluated: 2019-09-23. Review status: criteria provided, single submitter. Criteria: GeneDx Variant Classification Process June 2021. Collection method: clinical testing. Allele origin: germline. Affected: yes.

Illumina Laboratory Services, Illumina
Classification: Uncertain significance for Familial dysautonomia. Last evaluated: 2018-01-13. Review status: criteria provided, single submitter. Criteria: ICSL Variant Classification Criteria 13 December 2019. Collection method: clinical testing. Allele origin: germline.

Natera, Inc.
Classification: Likely benign for Hereditary sensory and autonomic neuropathy. Last evaluated: 2019-08-03. Review status: no assertion criteria provided. Collection method: clinical testing. Allele origin: germline. Not counted in ClinVar's aggregate classification.

NM_003640.5(ELP1):c.209G>A (p.Arg70His)

Gene: ELP1 (elongator acetyltransferase complex subunit 1; minus strand). Cytogenetic location: 9q31.3.
Variant type: single nucleotide variant.
Coding change: c.209G>A on transcript NM_003640.5 (MANE Select); coding-DNA position 209, G replaced by A.
Protein change: p.Arg70His; replaces arginine 70 with histidine.
Molecular consequence: missense variant. On other transcripts: 5 prime UTR variant (2).
Genome position (GRCh38, 1-based): chr9:108,929,863, C>T on the plus strand (G>A on the coding strand, the complement: ELP1 is on the minus strand). VCF-style: chr9-108929863-C-T. GRCh37 (hg19) VCF-style: chr9-111692143-C-T.
Other names: c.209G>A (LRG_251t1, NM_003640.4); c.-134G>A (NM_001318360.2); c.-651G>A (NM_001330749.2); short protein forms R70H.
Identifiers: ClinVar variation 364581 (VCV000364581.81), dbSNP rs111936933, ClinGen allele CA5175430.